The following is an entry in ClinVar:

NM_001042492.3(NF1):c.587-2A>G

Gene: NF1 (neurofibromin 1; plus strand). Cytogenetic location: 17q11.2.
Variant type: single nucleotide variant.
Coding change: c.587-2A>G on transcript NM_001042492.3 (MANE Select); the canonical splice acceptor site of the intron before coding-DNA position 587, A replaced by G.
Molecular consequence: splice acceptor variant.
Genome position (GRCh38, 1-based): chr17:31,181,420, A>G. VCF-style: chr17-31181420-A-G. GRCh37 (hg19) VCF-style: chr17-29508438-A-G.
Other names: c.587-2A>G (NM_000267.4, NM_001128147.3).
Identifiers: ClinVar variation 457770 (VCV000457770.16), dbSNP rs1057518360, ClinGen allele CA398989166.

ClinVar aggregate classification (germline): Pathogenic/Likely pathogenic. Review status: criteria provided, multiple submitters, no conflicts (2 of 4 stars). 8 submissions from 8 submitters: Pathogenic (5); Likely pathogenic (3). Last evaluated 2025-08-04.

Conditions:
Hereditary cancer-predisposing syndrome. Also called: Neoplastic Syndromes, Hereditary; Hereditary Cancer Syndrome; Hereditary neoplastic syndrome; Tumor predisposition. Identifiers: Orphanet 140162, MedGen C0027672, MeSH D009386, MONDO:0015356.
Cardiovascular phenotype. Identifiers: MedGen CN230736.
NF1-related disorder. Also called: NF1-related condition. Identifiers: MedGen CN379171.
Neurofibromatosis, type 1 (NF1). Also called: VON RECKLINGHAUSEN DISEASE; Peripheral type neurofibromatosis; NEUROFIBROMATOSIS, TYPE I, SOMATIC; Neurofibromatosis, type I. Identifiers: Orphanet 636, MedGen C0027831, MONDO:0018975, OMIM 162200. Disease mechanism: loss of function.

Submissions (8):

Ambry Genetics
Classification: Likely pathogenic for Cardiovascular phenotype; Hereditary cancer-predisposing syndrome. Last evaluated: 2025-08-04. Review status: criteria provided, single submitter. Criteria: Ambry Variant Classification Scheme 2023. Collection method: clinical testing. Allele origin: germline.
Comment: The c.587-2A>G intronic variant results from an A to G substitution two nucleotides upstream from coding exon 6 in the NF1 gene. This variant was reported in individual(s) with features consistent with neurofibromatosis type 1 (Ambry internal data; external communication). This variant is considered to be rare based on population cohorts in the Genome Aggregation Database (gnomAD). This nucleotide position is highly conserved in available vertebrate species. In silico splice site analysis predicts that this alteration will weaken the native splice acceptor site and will result in the creation or strengthening of a novel splice acceptor site. RNA studies have demonstrated that this alteration results in abnormal splicing in the set of samples tested (Ambry internal data). Based on the majority of available evidence to date, this variant is likely to be pathogenic.

Labcorp Genetics (formerly Invitae), Labcorp
Classification: Pathogenic for Neurofibromatosis, type 1. Last evaluated: 2024-03-06. Review status: criteria provided, single submitter. Criteria: Invitae Variant Classification Sherloc (09022015). Collection method: clinical testing. Allele origin: germline.
Comment: This sequence change affects an acceptor splice site in intron 5 of the NF1 gene. It is expected to disrupt RNA splicing. Variants that disrupt the donor or acceptor splice site typically lead to a loss of protein function (PMID: 16199547), and loss-of-function variants in NF1 are known to be pathogenic (PMID: 10712197, 23913538). This variant is not present in population databases (gnomAD no frequency). Disruption of this splice site has been observed in individual(s) with neurofibromatosis type 1 (Invitae). ClinVar contains an entry for this variant (Variation ID: 457770). Algorithms developed to predict the effect of sequence changes on RNA splicing suggest that this variant may disrupt the consensus splice site. For these reasons, this variant has been classified as Pathogenic.

ARUP Laboratories, Molecular Genetics and Genomics, ARUP Laboratories
Classification: Pathogenic. Last evaluated: 2022-12-22. Review status: criteria provided, single submitter. Criteria: ARUP Molecular Germline Variant Investigation Process 2024. Collection method: clinical testing. Allele origin: germline.
Comment: The NF1 c.587-2A>G variant (rs1057518360), to our knowledge, is not reported in the medical literature but is reported multiple times in ClinVar (Variation ID: 457770). This variant is absent from the Genome Aggregation Database, indicating it is not a common polymorphism. This variant disrupts the canonical splice acceptor site of intron 5, which is likely to negatively impact gene function. Based on available information, this variant is considered to be pathogenic.

Genome-Nilou Lab
Classification: Likely pathogenic for Neurofibromatosis, type 1. Last evaluated: 2022-03-15. Review status: criteria provided, single submitter. Criteria: ACMG Guidelines, 2015. Collection method: clinical testing. Allele origin: germline. Affected: no.

HudsonAlpha Institute for Biotechnology
Classification: Pathogenic for Neurofibromatosis, type 1. Last evaluated: 2022-02-10. Review status: criteria provided, single submitter. Criteria: ACMG Guidelines, 2015. Collection method: research. Allele origin: paternal. Affected: yes. Observed: 1 variant allele. Study: HudsonAlpha-AGHI-WGS.
Comment: ACMG codes: PVS1, PM2, PP1, PP5

Genome Diagnostics Laboratory, The Hospital for Sick Children
Classification: Pathogenic for Neurofibromatosis, type 1. Last evaluated: 2020-10-26. Review status: criteria provided, single submitter. Criteria: ACMG Guidelines, 2015. Collection method: clinical testing. Allele origin: germline. Affected: yes.

Blueprint Genetics
Classification: Likely pathogenic for NF1-related disorders. Last evaluated: 2020-07-14. Review status: criteria provided, single submitter. Criteria: ACMG Guidelines, 2015. Collection method: clinical testing. Allele origin: germline. Affected: yes. Observed: 1 variant allele.

GeneDx
Classification: Pathogenic. Last evaluated: 2019-06-26. Review status: criteria provided, single submitter. Criteria: GeneDx Variant Classification Process June 2021. Collection method: clinical testing. Allele origin: germline. Affected: yes.
Comment: Canonical splice site variant in a gene for which loss-of-function is a known mechanism of disease; Not observed in large population cohorts (Lek et al., 2016); This variant is associated with the following publications: (PMID: 12746402, 26832993)

Literature cited by the submitters: PubMed 16199547 (cited by Labcorp Genetics (formerly Invitae), Labcorp); PubMed 10712197 (cited by Labcorp Genetics (formerly Invitae), Labcorp); PubMed 23913538 (cited by Labcorp Genetics (formerly Invitae), Labcorp).